The following is an entry in ClinVar:

ClinVar aggregate classification (germline): Benign (1 of 4 stars; one submission).

Allele frequency attached by ClinVar (database versions not stated): gnomAD 0.10361 and 0.10883; 1000 Genomes Project 0.10743; TOPMed 0.11043; 1000 Genomes Project 30x 0.11196.
gnomAD v4.1: 15,716 of 152,206 alleles (10%); highest among the groups gnomAD compares: African/African-American, 26%; 1,590 homozygotes.

Submission:

GeneDx
Classification: Benign. Last evaluated: 2018-06-14. Review status: criteria provided, single submitter. Criteria: GeneDx Variant Classification (06012015). Collection method: clinical testing. Allele origin: germline. Affected: yes.
Comment: This variant is considered likely benign or benign based on one or more of the following criteria: it is a conservative change, it occurs at a poorly conserved position in the protein, it is predicted to be benign by multiple in silico algorithms, and/or has population frequency not consistent with disease.

NM_013382.7(POMT2):c.1653+266C>T

Gene: POMT2 (protein O-mannosyltransferase 2; minus strand). Cytogenetic location: 14q24.3.
Variant type: single nucleotide variant.
Coding change: c.1653+266C>T on transcript NM_013382.7 (MANE Select); 266 bases into the intron after coding-DNA position 1653, C replaced by T.
Molecular consequence: intron variant.
Genome position (GRCh38, 1-based): chr14:77,283,531, G>A on the plus strand (C>T on the coding strand, the complement: POMT2 is on the minus strand). VCF-style: chr14-77283531-G-A. GRCh37 (hg19) VCF-style: chr14-77749874-G-A.
Identifiers: ClinVar variation 671546 (VCV000671546.1), dbSNP rs7159378, ClinGen allele CA263821963.